The following is an entry in ClinVar:

NM_152879.3(DGKD):c.2760C>T (p.Ala920=)

Gene: DGKD (diacylglycerol kinase delta; plus strand). Cytogenetic location: 2q37.1.
Variant type: single nucleotide variant.
Coding change: c.2760C>T on transcript NM_152879.3 (MANE Select); coding-DNA position 2760, C replaced by T.
Protein change: p.Ala920=; no amino-acid change (alanine 920 retained).
Molecular consequence: synonymous variant.
Genome position (GRCh38, 1-based): chr2:233,459,822, C>T. VCF-style: chr2-233459822-C-T. GRCh37 (hg19) VCF-style: chr2-234368468-C-T.
Other names: c.2361C>T, p.Ala787= (NM_001377259.1); c.2628C>T, p.Ala876= (NM_003648.3).
Identifiers: ClinVar variation 3024944 (VCV003024944.22), dbSNP rs61752229, ClinGen allele CA2175773.
Genomic context (GRCh38, chr2:233,459,822, plus strand): 5'-CACGGTGAAGATCTCCATCCTTGGGGATGAGGGCGTGCCTGTGCAGGTGGACGGAGAGGC[C>T]TGGGTCCAGCCGCCAGGGTACATTCGGATTGTCCACAAGAACCGGGCACAGACACTGACC-3'
Protein context (NP_690618.2, residues 910-930): EGVPVQVDGE[Ala920=]WVQPPGYIRI

ClinVar aggregate classification (germline): Likely benign (1 of 4 stars; one submission).

Allele frequency attached by ClinVar (database versions not stated): TOPMed 0.00235; ESP Exome Variant Server 0.00254; gnomAD exomes 0.00301; 1000 Genomes Project 0.00140; 1000 Genomes Project 30x 0.00141; ExAC 0.00177; gnomAD 0.00203.
gnomAD v4.1: 4,724 of 1,614,080 alleles (0.29%); highest among the groups gnomAD compares: Admixed American, 0.38%; 12 homozygotes.

Submission:

CeGaT Center for Human Genetics Tuebingen
Classification: Likely benign. Last evaluated: 2024-02-01. Review status: criteria provided, single submitter. Criteria: CeGaT Center For Human Genetics Tuebingen Variant Classification Criteria Version 2. Collection method: clinical testing. Allele origin: germline. Affected: yes. Observed: 1 variant allele.
Comment: DGKD: BP4